The following is an entry in ClinVar:

NM_003072.5(SMARCA4):c.3874-18C>T

Gene: SMARCA4 (SWI/SNF related BAF chromatin remodeling complex subunit ATPase 4; plus strand). Cytogenetic location: 19p13.2.
Variant type: single nucleotide variant.
Coding change: c.3874-18C>T on transcript NM_003072.5 (MANE Select); 18 bases into the intron before coding-DNA position 3874, C replaced by T.
Molecular consequence: intron variant.
Genome position (GRCh38, 1-based): chr19:11,034,105, C>T. VCF-style: chr19-11034105-C-T. GRCh37 (hg19) VCF-style: chr19-11144781-C-T.
Other names: c.3874-18C>T (NM_001128844.3, NM_001128849.3, NM_001387283.1); c.3775-18C>T (NM_001128847.4, NM_001374457.1, NM_001128845.2 and 2 more transcripts).
Identifiers: ClinVar variation 1553759 (VCV001553759.9), dbSNP rs376294290, ClinGen allele CA9204553.

ClinVar aggregate classification (germline): Likely benign. Review status: criteria provided, multiple submitters, no conflicts (2 of 4 stars). 2 submissions from 2 submitters: Likely benign (2). Last evaluated 2026-07-08.

Conditions:
Rhabdoid tumor predisposition syndrome 2 (RTPS2). Identifiers: Orphanet 231108, Orphanet 69077, MedGen C2750074, MONDO:0013224, OMIM 613325.

Allele frequency attached by ClinVar (database versions not stated): TOPMed below 0.00001; ExAC 0.00001; gnomAD 0.00001; ESP Exome Variant Server 0.00008; gnomAD exomes below 0.00001.
gnomAD v4.1: 4 of 1,607,256 alleles (0.00025%); highest among the groups gnomAD compares: Non-Finnish European, 0.00034%; no homozygotes.

Submissions (2):

Myriad Genetics, Inc.
Classification: Likely benign for Rhabdoid tumor predisposition syndrome 2. Last evaluated: 2026-07-08. Review status: criteria provided, single submitter. Criteria: Myriad Autosomal Dominant, Autosomal Recessive and X-Linked Classification Criteria (2023). Collection method: clinical testing. Allele origin: unknown.
Comment: This variant is considered likely benign. This variant is intronic and is not expected to impact mRNA splicing.

Labcorp Genetics (formerly Invitae), Labcorp
Classification: Likely benign for Rhabdoid tumor predisposition syndrome 2. Last evaluated: 2025-08-07. Review status: criteria provided, single submitter. Criteria: Invitae Variant Classification Sherloc (09022015). Collection method: clinical testing. Allele origin: germline.